The following is an entry in ClinVar:

NM_014709.4(USP34):c.1233T>G (p.Cys411Trp)

Gene: USP34 (ubiquitin specific peptidase 34; minus strand). Cytogenetic location: 2p15.
Variant type: single nucleotide variant.
Coding change: c.1233T>G on transcript NM_014709.4 (MANE Select); coding-DNA position 1233, T replaced by G.
Protein change: p.Cys411Trp; replaces cysteine 411 with tryptophan.
Molecular consequence: missense variant.
Genome position (GRCh38, 1-based): chr2:61,370,339, A>C on the plus strand (T>G on the coding strand, the complement: USP34 is on the minus strand). VCF-style: chr2-61370339-A-C. GRCh37 (hg19) VCF-style: chr2-61597474-A-C.
Other names: short protein forms C411W.
Identifiers: ClinVar variation 4891393 (VCV004891393.1).

ClinVar aggregate classification (germline): Uncertain significance (1 of 4 stars; one submission).

Submission:

GeneDx
Classification: Uncertain significance. Last evaluated: 2023-09-15. Review status: criteria provided, single submitter. Criteria: GeneDx Variant Classification Process June 2021. Collection method: clinical testing. Allele origin: germline.
Comment: Not observed at significant frequency in large population cohorts (gnomAD); In silico analysis supports that this missense variant has a deleterious effect on protein structure/function; Has not been previously published as pathogenic or benign to our knowledge; Variants in candidate genes are classified as variants of uncertain significance in accordance with ACMG guidelines (Richards et al., 2015)